The following is an entry in ClinVar:

ClinVar aggregate classification (germline): Uncertain significance (1 of 4 stars; one submission).

Submission:

GeneDx
Classification: Uncertain significance. Last evaluated: 2023-12-13. Review status: criteria provided, single submitter. Criteria: GeneDx Variant Classification Process June 2021. Collection method: clinical testing. Allele origin: germline. Affected: yes.
Comment: Not observed at significant frequency in large population cohorts (gnomAD); In silico analysis supports that this missense variant has a deleterious effect on protein structure/function; Has not been previously published as pathogenic or benign to our knowledge

NM_004963.4(GUCY2C):c.1444A>T (p.Asn482Tyr)

Gene: GUCY2C (guanylate cyclase 2C; minus strand). Cytogenetic location: 12p12.3.
Variant type: single nucleotide variant.
Coding change: c.1444A>T on transcript NM_004963.4 (MANE Select); coding-DNA position 1444, A replaced by T.
Protein change: p.Asn482Tyr; replaces asparagine 482 with tyrosine.
Molecular consequence: missense variant.
Genome position (GRCh38, 1-based): chr12:14,656,538, T>A on the plus strand (A>T on the coding strand, the complement: GUCY2C is on the minus strand). VCF-style: chr12-14656538-T-A. GRCh37 (hg19) VCF-style: chr12-14809472-T-A.
Other names: short protein forms N482Y.
Identifiers: ClinVar variation 3365411 (VCV003365411.1).